The following is an entry in ClinVar:

ClinVar aggregate classification (germline): Pathogenic (1 of 4 stars; one submission).

Conditions:
Dyskeratosis congenita. Identifiers: Orphanet 1775, MedGen C0265965, MONDO:0015780.

Submission:

Ambry Genetics
Classification: Pathogenic for Dyskeratosis congenita. Last evaluated: 2026-06-17. Review status: criteria provided, single submitter. Criteria: Ambry Variant Classification Scheme 2023. Collection method: clinical testing. Allele origin: germline.
Comment: The c.3111dupT pathogenic mutation, located in coding exon 14 of the TERT gene, results from a duplication of T at nucleotide position 3111, causing a translational frameshift with a predicted alternate stop codon (p.D1038*). This variant is considered to be rare based on population cohorts in the Genome Aggregation Database (gnomAD). This variant is expected to result in loss of function by premature protein truncation or nonsense-mediated mRNA decay. As such, this variant is interpreted as a disease-causing mutation.

NM_198253.3(TERT):c.3111dup (p.Asp1038Ter)

Gene: TERT (telomerase reverse transcriptase; minus strand). Cytogenetic location: 5p15.33.
Variant type: Duplication.
Coding change: c.3111dup on transcript NM_198253.3 (MANE Select); coding-DNA position 3111, one base duplicated (T; older notation c.3111dupT).
Protein change: p.Asp1038Ter; replaces aspartic acid 1038 with a stop codon.
Molecular consequence: nonsense. On other transcripts: non-coding transcript variant (2), frameshift variant (1).
Genome position (GRCh38, 1-based): chr5:1,255,333, A duplicated on the plus strand (T on the coding strand, the reverse complement: TERT is on the minus strand). VCF-style (leftmost placement, unchanged base first): chr5-1255332-C-CA. GRCh37 (hg19) VCF-style: chr5-1255447-C-CA.
Other names: c.2922dup, p.Asp975Ter (NM_001193376.3); c.3111dupT (NM_198253.2); short protein forms D1038*, D975*.
Identifiers: ClinVar variation 5030636 (VCV005030636.1).
Genomic context (GRCh38, chr5:1,255,332, plus strand): 5'-GGCACCTGCACATACCTGCGTTCTTGGCTTTCAGGATGGAGTAGCAGAGGGAGGCCGTGT[C>CA]AGAGATGACGCGCAGGAAAAATGTGGGGTTCTTCCAAACTTGCTGATGAAATGGGAGCTG-3'